The following is an entry in ClinVar:

NM_000540.3(RYR1):c.5374G>A (p.Ala1792Thr)

Gene: RYR1 (ryanodine receptor 1; plus strand). Cytogenetic location: 19q13.2.
Variant type: single nucleotide variant.
Coding change: c.5374G>A on transcript NM_000540.3 (MANE Select); coding-DNA position 5374, G replaced by A.
Protein change: p.Ala1792Thr; replaces alanine 1792 with threonine.
Molecular consequence: missense variant.
Genome position (GRCh38, 1-based): chr19:38,486,029, G>A. VCF-style: chr19-38486029-G-A. GRCh37 (hg19) VCF-style: chr19-38976669-G-A.
Other names: c.5374G>A, p.Ala1792Thr (NM_001042723.2); short protein forms A1792T.
Identifiers: ClinVar variation 3072466 (VCV003072466.1), dbSNP rs1280895188, ClinGen allele CA405654905.
Genomic context (GRCh38, chr19:38,486,029, plus strand): 5'-AGGCCCCCGCATCATTTCTCGCCCCCCTGTTTCGTGGCCGCTCTGCCAGCTGCTGGGGCA[G>A]CAGAGGCCCCGGCCCGCCTCAGCCCTGCCATCCCGCTGGAGGCCCTGCGGGACAAGGCAC-3'
Protein context (NP_000531.2, residues 1782-1802): FVAALPAAGA[Ala1792Thr]EAPARLSPAI

ClinVar aggregate classification (germline): Uncertain significance (1 of 4 stars; one submission).

Conditions:
Malignant hyperthermia, susceptibility to, 1 (MHS1). Also called: Anesthesia related hyperthermia; Malignant hyperpyrexia; Fulminating hyperpyrexia; Pharmacogenic myopathy; RYR1-Related Malignant Hyperthermia Susceptibility; Malignant hyperthermia suceptibility 1. Identifiers: Orphanet 423, MedGen C2930980, MONDO:0007783, OMIM 145600.

Submission:

All of Us Research Program, National Institutes of Health
Classification: Uncertain significance for Malignant hyperthermia, susceptibility to, 1. Last evaluated: 2023-07-19. Review status: criteria provided, single submitter. Criteria: ACMG Guidelines, 2015. Collection method: clinical testing. Allele origin: germline. Inheritance: Autosomal dominant inheritance. Observed: 1 variant allele, 1 heterozygote.
Comment: This missense variant replaces alanine with threonine at codon 1792 of the RYR1 protein. Computational prediction suggests that this variant may not impact protein structure and function (internally defined REVEL score threshold <= 0.5, PMID: 27666373). To our knowledge, functional studies have not been reported for this variant. This variant has not been reported in individuals affected with RYR1-related disorders in the literature. This variant has been identified in 1/241102 chromosomes in the general population by the Genome Aggregation Database (gnomAD). The available evidence is insufficient to determine the role of this variant in disease conclusively. Therefore, this variant is classified as a Variant of Uncertain Significance.

This study involves interpretation of variants in research participants for the purpose of population health screening. Participant phenotype was not available at the time of variant classification. Additional details can be found in publication PMID: 35346344, PMCID: PMC8962531